The following is an entry in ClinVar:

ClinVar aggregate classification (germline): Pathogenic (1 of 4 stars; one submission).

Submission:

Labcorp Genetics (formerly Invitae), Labcorp
Classification: Pathogenic. Last evaluated: 2022-10-17. Review status: criteria provided, single submitter. Criteria: Invitae Variant Classification Sherloc (09022015). Collection method: clinical testing. Allele origin: unknown.
Comment: For these reasons, this variant has been classified as Pathogenic. This variant disrupts a region of the ERCC6 protein in which other variant(s) (p.Gly1372Glufs*22) have been determined to be pathogenic (PMID: 27004399). This suggests that this is a clinically significant region of the protein, and that variants that disrupt it are likely to be disease-causing. This variant has not been reported in the literature in individuals affected with ERCC6-related conditions. This variant is a gross deletion of the genomic region encompassing exon(s) 21 of the ERCC6 gene, which includes the termination codon. This deletion extends beyond the assayed region for this gene and therefore may encompass additional genes. While this deletion is not anticipated to lead to nonsense mediated decay, it is expected to alter mRNA translation or result in a truncated protein product.

Literature cited by the submitters: PubMed 27004399.

NC_000010.10:g.(?_50666861)_(50667300_?)del

Gene: ERCC6 (ERCC excision repair 6, chromatin remodeling factor; minus strand). Cytogenetic location: 10q11.23.
Variant type: Deletion.
Identifiers: ClinVar variation 3244927 (VCV003244927.1).